The following is an entry in ClinVar:

ClinVar aggregate classification (germline): Uncertain significance (1 of 4 stars; one submission).

Submission:

Labcorp Genetics (formerly Invitae), Labcorp
Classification: Uncertain significance. Last evaluated: 2022-07-05. Review status: criteria provided, single submitter. Criteria: Invitae Variant Classification Sherloc (09022015). Collection method: clinical testing. Allele origin: germline.
Comment: In summary, the available evidence is currently insufficient to determine the role of this variant in disease. Therefore, it has been classified as a Variant of Uncertain Significance. Algorithms developed to predict the effect of sequence changes on RNA splicing suggest that this variant may create or strengthen a splice site. Algorithms developed to predict the effect of missense changes on protein structure and function (SIFT, PolyPhen-2, Align-GVGD) all suggest that this variant is likely to be tolerated. ClinVar contains an entry for this variant (Variation ID: 1414748). This variant has not been reported in the literature in individuals affected with P3H2-related conditions. This variant is not present in population databases (gnomAD no frequency). This sequence change replaces proline, which is neutral and non-polar, with glutamine, which is neutral and polar, at codon 20 of the P3H2 protein (p.Pro20Gln).

NM_018192.4(P3H2):c.59C>A (p.Pro20Gln)

Genes: P3H2 (prolyl 3-hydroxylase 2; minus strand), LOC123464484 (Sharpr-MPRA regulatory region 10063; plus strand). Cytogenetic location: 3q28.
Variant type: single nucleotide variant.
Coding change: c.59C>A on transcript NM_018192.4 (MANE Select); coding-DNA position 59, C replaced by A.
Protein change: p.Pro20Gln; replaces proline 20 with glutamine.
Molecular consequence: missense variant. On other transcripts: intron variant (1).
Genome position (GRCh38, 1-based): chr3:190,120,673, G>T on the plus strand (C>A on the coding strand, the complement: P3H2 is on the minus strand). VCF-style: chr3-190120673-G-T. GRCh37 (hg19) VCF-style: chr3-189838462-G-T.
Other names: c.-64+1530C>A (NM_001134418.2); short protein forms P20Q.
Identifiers: ClinVar variation 1414748 (VCV001414748.6), dbSNP rs2108532198, ClinGen allele CA355860253.